The following is an entry in ClinVar:

ClinVar aggregate classification (germline): Uncertain significance (1 of 4 stars; one submission).

Submission:

GeneDx
Classification: Uncertain significance. Last evaluated: 2023-07-24. Review status: criteria provided, single submitter. Criteria: GeneDx Variant Classification Process June 2021. Collection method: clinical testing. Allele origin: germline. Affected: yes.
Comment: Not observed at significant frequency in large population cohorts (gnomAD); In silico analysis supports that this missense variant does not alter protein structure/function; Has not been previously published as pathogenic or benign to our knowledge

NM_020928.2(ZSWIM6):c.3407C>T (p.Ala1136Val)

Gene: ZSWIM6 (zinc finger SWIM-type containing 6; plus strand). Cytogenetic location: 5q12.1.
Variant type: single nucleotide variant.
Coding change: c.3407C>T on transcript NM_020928.2 (MANE Select); coding-DNA position 3407, C replaced by T.
Protein change: p.Ala1136Val; replaces alanine 1136 with valine.
Molecular consequence: missense variant.
Genome position (GRCh38, 1-based): chr5:61,544,076, C>T. VCF-style: chr5-61544076-C-T. GRCh37 (hg19) VCF-style: chr5-60839903-C-T.
Other names: short protein forms A1136V.
Identifiers: ClinVar variation 2574351 (VCV002574351.1), dbSNP rs1258645752, ClinGen allele CA359947534.